The following is an entry in ClinVar:

ClinVar aggregate classification (germline): Uncertain significance. Review status: criteria provided, multiple submitters, no conflicts (2 of 4 stars). 2 submissions from 2 submitters: Uncertain significance (2). Last evaluated 2025-01-11.

Conditions:
Hermansky-Pudlak syndrome 2 (HPS2). Also called: Platelet defects and oculocutaneous albinism. Identifiers: Orphanet 183678, Orphanet 79430, MedGen C1842362, MONDO:0011997, OMIM 608233.
Inborn genetic diseases. Identifiers: MedGen C0950123, MeSH D030342.

Allele frequency attached by ClinVar (database versions not stated): gnomAD 0.00001; gnomAD exomes 0.00001 and below 0.00001; ExAC 0.00001.
gnomAD v4.1: 4 of 1,610,948 alleles (0.00025%); highest among the groups gnomAD compares: Non-Finnish European, 0.00025%; no homozygotes.

Submissions (2):

Labcorp Genetics (formerly Invitae), Labcorp
Classification: Uncertain significance for Hermansky-Pudlak syndrome 2. Last evaluated: 2025-01-11. Review status: criteria provided, single submitter. Criteria: Invitae Variant Classification Sherloc (09022015). Collection method: clinical testing. Allele origin: germline.
Comment: This sequence change replaces serine, which is neutral and polar, with proline, which is neutral and non-polar, at codon 828 of the AP3B1 protein (p.Ser828Pro). This variant is present in population databases (rs768483549, gnomAD 0.002%). This variant has not been reported in the literature in individuals affected with AP3B1-related conditions. ClinVar contains an entry for this variant (Variation ID: 940251). An algorithm developed to predict the effect of missense changes on protein structure and function (PolyPhen-2) suggests that this variant is likely to be tolerated. In summary, the available evidence is currently insufficient to determine the role of this variant in disease. Therefore, it has been classified as a Variant of Uncertain Significance.

Ambry Genetics
Classification: Uncertain significance for Inborn genetic diseases. Last evaluated: 2022-06-21. Review status: criteria provided, single submitter. Criteria: Ambry Variant Classification Scheme 2023. Collection method: clinical testing. Allele origin: germline.

NM_003664.5(AP3B1):c.2482T>C (p.Ser828Pro)

Gene: AP3B1 (adaptor related protein complex 3 subunit beta 1; minus strand). Cytogenetic location: 5q14.1.
Variant type: single nucleotide variant.
Coding change: c.2482T>C on transcript NM_003664.5 (MANE Select); coding-DNA position 2482, T replaced by C.
Protein change: p.Ser828Pro; replaces serine 828 with proline.
Molecular consequence: missense variant.
Genome position (GRCh38, 1-based): chr5:78,089,488, A>G on the plus strand (T>C on the coding strand, the complement: AP3B1 is on the minus strand). VCF-style: chr5-78089488-A-G. GRCh37 (hg19) VCF-style: chr5-77385312-A-G.
Other names: c.2335T>C, p.Ser779Pro (NM_001271769.2); c.2482T>C (NM_003664.3); short protein forms S779P, S828P.
Identifiers: ClinVar variation 940251 (VCV000940251.10), dbSNP rs768483549, ClinGen allele CA3316749.